The following is an entry in ClinVar:

NM_004260.4(RECQL4):c.1238C>A (p.Ala413Glu)

Gene: RECQL4 (RecQ like helicase 4; minus strand). Cytogenetic location: 8q24.3.
Variant type: single nucleotide variant.
Coding change: c.1238C>A on transcript NM_004260.4 (MANE Select); coding-DNA position 1238, C replaced by A.
Protein change: p.Ala413Glu; replaces alanine 413 with glutamic acid.
Molecular consequence: missense variant. On other transcripts: synonymous variant (5), non-coding transcript variant (3), intron variant (1).
Genome position (GRCh38, 1-based): chr8:144,515,784, G>T on the plus strand (C>A on the coding strand, the complement: RECQL4 is on the minus strand). VCF-style: chr8-144515784-G-T. GRCh37 (hg19) VCF-style: chr8-145741168-G-T.
Other names: c.1142C>A, p.Ala381Glu (NM_001413017.1, NM_001413020.1); c.1238C>A, p.Ala413Glu (NM_001413018.1, NM_001413019.1, NM_001413033.1 and 2 more transcripts); c.167C>A, p.Ala56Glu (NM_001413021.1, NM_001413022.1, NM_001413023.1 and 8 more transcripts); c.1109C>A, p.Ala370Glu (NM_001413025.1); c.105C>A, p.Gly35= (NM_001413027.1, NM_001413030.1, NM_001413031.1 and 2 more transcripts); c.887C>A, p.Ala296Glu (NM_001413029.1); c.-210+204C>A (NM_001413043.1); short protein forms A381E, A413E, A56E, A296E, A370E.
Identifiers: ClinVar variation 3022084 (VCV003022084.3), dbSNP rs560681030, ClinGen allele CA372687297.
Genomic context (GRCh38, chr8:144,515,784, plus strand): 5'-CAGTGTTGGCCGGACCCACCCTCCAGGGCAGATGTCTCACCTGGCCGGGGACACTGGGCT[G>T]CCCAGTGATCGAACTGCTCGTTCAGGAAACAAGACTCCTTGGTTGTGACTGTGGCACCAC-3'
Protein context (NP_004251.4, residues 403-423): CFLNEQFDHW[Ala413Glu]AQCPRPASEE

ClinVar aggregate classification (germline): Uncertain significance (1 of 4 stars; one submission).

Conditions:
Baller-Gerold syndrome (BGS). Also called: CRANIOSYNOSTOSIS WITH RADIAL DEFECTS. Identifiers: Orphanet 1225, MedGen C0265308, MONDO:0009039, OMIM 218600.

Submission:

Labcorp Genetics (formerly Invitae), Labcorp
Classification: Uncertain significance for Baller-Gerold syndrome. Last evaluated: 2023-11-22. Review status: criteria provided, single submitter. Criteria: Invitae Variant Classification Sherloc (09022015). Collection method: clinical testing. Allele origin: germline.
Comment: This sequence change replaces alanine, which is neutral and non-polar, with glutamic acid, which is acidic and polar, at codon 413 of the RECQL4 protein (p.Ala413Glu). This variant is not present in population databases (gnomAD no frequency). This variant has not been reported in the literature in individuals affected with RECQL4-related conditions. Advanced modeling of protein sequence and biophysical properties (such as structural, functional, and spatial information, amino acid conservation, physicochemical variation, residue mobility, and thermodynamic stability) performed at Invitae indicates that this missense variant is not expected to disrupt RECQL4 protein function with a negative predictive value of 80%. In summary, the available evidence is currently insufficient to determine the role of this variant in disease. Therefore, it has been classified as a Variant of Uncertain Significance.